The following is an entry in ClinVar:

ClinVar aggregate classification (germline): Uncertain significance. Review status: criteria provided, multiple submitters, no conflicts (2 of 4 stars). 2 submissions from 2 submitters: Uncertain significance (2). Last evaluated 2025-05-25.

Conditions:
Emery-Dreifuss muscular dystrophy 5, autosomal dominant (EDMD5). Also called: EMERY-DREIFUSS MUSCULAR DYSTROPHY 5. Identifiers: Orphanet 261, MedGen C2751805, MONDO:0013072, OMIM 612999.

Allele frequency attached by ClinVar (database versions not stated): TOPMed below 0.00001; ExAC 0.00002; gnomAD 0.00002 and 0.00003; gnomAD exomes 0.00002 and 0.00004; 1000 Genomes Project 30x 0.00031.
gnomAD v4.1: 59 of 1,614,174 alleles (0.0037%); highest among the groups gnomAD compares: South Asian, 0.0088%; 1 homozygote.

Submissions (2):

Labcorp Genetics (formerly Invitae), Labcorp
Classification: Uncertain significance for Emery-Dreifuss muscular dystrophy 5, autosomal dominant. Last evaluated: 2025-05-25. Review status: criteria provided, single submitter. Criteria: Invitae Variant Classification Sherloc (09022015). Collection method: clinical testing. Allele origin: germline.
Comment: This sequence change replaces valine, which is neutral and non-polar, with isoleucine, which is neutral and non-polar, at codon 1342 of the SYNE2 protein (p.Val1342Ile). This variant is present in population databases (rs747274988, gnomAD 0.01%). This variant has not been reported in the literature in individuals affected with SYNE2-related conditions. ClinVar contains an entry for this variant (Variation ID: 285466). An algorithm developed to predict the effect of missense changes on protein structure and function outputs the following: PolyPhen-2: "Benign". The isoleucine amino acid residue is found in multiple mammalian species, which suggests that this missense change does not adversely affect protein function. In summary, the available evidence is currently insufficient to determine the role of this variant in disease. Therefore, it has been classified as a Variant of Uncertain Significance.

Eurofins Ntd Llc (ga)
Classification: Uncertain significance. Last evaluated: 2016-01-03. Review status: criteria provided, single submitter. Criteria: EGL Classification Definitions 2015. Collection method: clinical testing. Allele origin: germline. Observed: 1 variant allele, 1 heterozygote.

NM_182914.3(SYNE2):c.4024G>A (p.Val1342Ile)

Gene: SYNE2 (spectrin repeat containing nuclear envelope protein 2; plus strand). Cytogenetic location: 14q23.2.
Variant type: single nucleotide variant.
Coding change: c.4024G>A on transcript NM_182914.3 (MANE Select); coding-DNA position 4024, G replaced by A.
Protein change: p.Val1342Ile; replaces valine 1342 with isoleucine.
Molecular consequence: missense variant.
Genome position (GRCh38, 1-based): chr14:64,002,957, G>A. VCF-style: chr14-64002957-G-A. GRCh37 (hg19) VCF-style: chr14-64469675-G-A.
Other names: c.4024G>A, p.Val1342Ile (NM_015180.6); short protein forms V1342I.
Identifiers: ClinVar variation 285466 (VCV000285466.14), dbSNP rs747274988, ClinGen allele CA7220124.